The following is an entry in ClinVar:

ClinVar aggregate classification (germline): Uncertain significance (1 of 4 stars; one submission).

Submission:

Labcorp Genetics (formerly Invitae), Labcorp
Classification: Uncertain significance. Last evaluated: 2025-09-14. Review status: criteria provided, single submitter. Criteria: Invitae Variant Classification Sherloc (09022015). Collection method: clinical testing. Allele origin: germline.
Comment: This sequence change replaces cysteine, which is neutral and slightly polar, with phenylalanine, which is neutral and non-polar, at codon 78 of the TIMMDC1 protein (p.Cys78Phe). This variant is not present in population databases (gnomAD no frequency). This variant has not been reported in the literature in individuals affected with TIMMDC1-related conditions. Invitae Evidence Modeling of protein sequence and biophysical properties (such as structural, functional, and spatial information, amino acid conservation, physicochemical variation, residue mobility, and thermodynamic stability) indicates that this missense variant is not expected to disrupt TIMMDC1 protein function with a negative predictive value of 80%. In summary, the available evidence is currently insufficient to determine the role of this variant in disease. Therefore, it has been classified as a Variant of Uncertain Significance.

NM_016589.4(TIMMDC1):c.233G>T (p.Cys78Phe)

Gene: TIMMDC1 (translocase of inner mitochondrial membrane domain containing 1; plus strand). Cytogenetic location: 3q13.33.
Variant type: single nucleotide variant.
Coding change: c.233G>T on transcript NM_016589.4 (MANE Select); coding-DNA position 233, G replaced by T.
Protein change: p.Cys78Phe; replaces cysteine 78 with phenylalanine.
Molecular consequence: missense variant. On other transcripts: intron variant (1).
Genome position (GRCh38, 1-based): chr3:119,500,733, G>T. VCF-style: chr3-119500733-G-T. GRCh37 (hg19) VCF-style: chr3-119219580-G-T.
Other names: c.194+1806G>T (NM_001438040.1); short protein forms C78F.
Identifiers: ClinVar variation 4746396 (VCV004746396.1).